The following is an entry in ClinVar:

NM_004706.4(ARHGEF1):c.1754G>A (p.Arg585Gln)

Gene: ARHGEF1 (Rho guanine nucleotide exchange factor 1; plus strand). Cytogenetic location: 19q13.2.
Variant type: single nucleotide variant.
Coding change: c.1754G>A on transcript NM_004706.4 (MANE Select); coding-DNA position 1754, G replaced by A.
Protein change: p.Arg585Gln; replaces arginine 585 with glutamine.
Molecular consequence: missense variant. On other transcripts: non-coding transcript variant (2).
Genome position (GRCh38, 1-based): chr19:41,903,322, G>A. VCF-style: chr19-41903322-G-A. GRCh37 (hg19) VCF-style: chr19-42407472-G-A.
Other names: c.1922G>A, p.Arg641Gln (NM_001396000.1); c.1655G>A, p.Arg552Gln (NM_001396002.1, NM_001396004.1, NM_198977.2); c.1754G>A, p.Arg585Gln (NM_001396003.1, NM_001396006.1); c.1799G>A, p.Arg600Gln (NM_199002.2); short protein forms R552Q, R585Q, R600Q, R641Q.
Identifiers: ClinVar variation 2477492 (VCV002477492.4), dbSNP rs1439511923, ClinGen allele CA406062856.

ClinVar aggregate classification (germline): Uncertain significance. Review status: criteria provided, multiple submitters, no conflicts (2 of 4 stars). 2 submissions from 2 submitters: Uncertain significance (2). Last evaluated 2024-05-02.

Allele frequency attached by ClinVar (database versions not stated): gnomAD 0.00001; TOPMed 0.00002.

Submissions (2):

Labcorp Genetics (formerly Invitae), Labcorp
Classification: Uncertain significance. Last evaluated: 2024-05-02. Review status: criteria provided, single submitter. Criteria: Invitae Variant Classification Sherloc (09022015). Collection method: clinical testing. Allele origin: germline.
Comment: This sequence change replaces arginine, which is basic and polar, with glutamine, which is neutral and polar, at codon 600 of the ARHGEF1 protein (p.Arg600Gln). This variant is not present in population databases (gnomAD no frequency). This variant has not been reported in the literature in individuals affected with ARHGEF1-related conditions. ClinVar contains an entry for this variant (Variation ID: 2477492). An algorithm developed to predict the effect of missense changes on protein structure and function (PolyPhen-2) suggests that this variant is likely to be tolerated. In summary, the available evidence is currently insufficient to determine the role of this variant in disease. Therefore, it has been classified as a Variant of Uncertain Significance.

Ambry Genetics
Classification: Uncertain significance. Last evaluated: 2023-01-23. Review status: criteria provided, single submitter. Criteria: Ambry Variant Classification Scheme 2023. Collection method: clinical testing. Allele origin: germline.